The following is an entry in ClinVar:

NM_002485.5(NBN):c.1449A>G (p.Ile483Met)

Gene: NBN (nibrin; minus strand). Cytogenetic location: 8q21.3.
Variant type: single nucleotide variant.
Coding change: c.1449A>G on transcript NM_002485.5 (MANE Select); coding-DNA position 1449, A replaced by G.
Protein change: p.Ile483Met; replaces isoleucine 483 with methionine.
Molecular consequence: missense variant.
Genome position (GRCh38, 1-based): chr8:89,953,640, T>C on the plus strand (A>G on the coding strand, the complement: NBN is on the minus strand). VCF-style: chr8-89953640-T-C. GRCh37 (hg19) VCF-style: chr8-90965868-T-C.
Other names: c.1203A>G, p.Ile401Met (NM_001024688.3); short protein forms I483M, I401M.
Identifiers: ClinVar variation 819245 (VCV000819245.12), dbSNP rs1586054662, ClinGen allele CA371655827.

ClinVar aggregate classification (germline): Uncertain significance. Review status: criteria provided, multiple submitters, no conflicts (2 of 4 stars). 3 submissions from 3 submitters: Uncertain significance (3). Last evaluated 2025-12-13.

Conditions:
Hereditary cancer-predisposing syndrome. Also called: Hereditary Cancer Syndrome; Neoplastic Syndromes, Hereditary; Hereditary neoplastic syndrome; Tumor predisposition. Identifiers: Orphanet 140162, MedGen C0027672, MeSH D009386, MONDO:0015356.
Microcephaly, normal intelligence and immunodeficiency (NBS). Also called: Nijmegen breakage syndrome; Microcephaly with normal intelligence immunodeficiency and lymphoreticular malignancies; Nonsyndromal microcephaly autosomal recessive with normal intelligence; Seemanova syndrome 2; Immunodeficiency, microcephaly with normal intelligence; Ataxia telangiectasia variant V1. Identifiers: Orphanet 647, MedGen C0398791, MONDO:0009623, OMIM 251260.

Allele frequency attached by ClinVar (database versions not stated): gnomAD exomes below 0.00001.
gnomAD v4.1: 1 of 1,613,038 alleles (0.000062%); highest among the groups gnomAD compares: African/African-American, 0.0013%; no homozygotes.

Submissions (3):

Ambry Genetics
Classification: Uncertain significance for Hereditary cancer-predisposing syndrome. Last evaluated: 2025-12-13. Review status: criteria provided, single submitter. Criteria: Ambry Variant Classification Scheme 2023. Collection method: clinical testing. Allele origin: germline.
Comment: The p.I483M variant (also known as c.1449A>G), located in coding exon 11 of the NBN gene, results from an A to G substitution at nucleotide position 1449. The isoleucine at codon 483 is replaced by methionine, an amino acid with highly similar properties. This amino acid position is not well conserved in available vertebrate species. In addition, this alteration is predicted to be tolerated by in silico analysis. Since supporting evidence is limited at this time, the clinical significance of this alteration remains unclear.

Quest Diagnostics Nichols Institute San Juan Capistrano
Classification: Uncertain significance. Last evaluated: 2025-07-01. Review status: criteria provided, single submitter. Criteria: Quest Diagnostics criteria. Collection method: clinical testing. Allele origin: unknown.
Comment: The NBN c.1449A>G (p.Ile483Met) variant has not been reported in individuals with NBN-related conditions in the published literature. It also has not been reported in large, multi-ethnic general populations (Genome Aggregation Database). Analysis of this variant using bioinformatics tools for the prediction of the effect of amino acid changes on protein structure and function yielded predictions that this variant is benign. Based on the available information, we are unable to determine the clinical significance of this variant.

Labcorp Genetics (formerly Invitae), Labcorp
Classification: Uncertain significance for Microcephaly, normal intelligence and immunodeficiency. Last evaluated: 2023-08-04. Review status: criteria provided, single submitter. Criteria: Invitae Variant Classification Sherloc (09022015). Collection method: clinical testing. Allele origin: germline.
Comment: This sequence change replaces isoleucine, which is neutral and non-polar, with methionine, which is neutral and non-polar, at codon 483 of the NBN protein (p.Ile483Met). This variant is not present in population databases (gnomAD no frequency). This variant has not been reported in the literature in individuals affected with NBN-related conditions. ClinVar contains an entry for this variant (Variation ID: 819245). Algorithms developed to predict the effect of missense changes on protein structure and function output the following: SIFT: "Not Available"; PolyPhen-2: "Benign"; Align-GVGD: "Not Available". The methionine amino acid residue is found in multiple mammalian species, which suggests that this missense change does not adversely affect protein function. In summary, the available evidence is currently insufficient to determine the role of this variant in disease. Therefore, it has been classified as a Variant of Uncertain Significance.